The following is an entry in ClinVar:

ClinVar aggregate classification (germline): Uncertain significance (1 of 4 stars; one submission).

Submission:

Ambry Genetics
Classification: Uncertain significance. Last evaluated: 2026-06-08. Review status: criteria provided, single submitter. Criteria: Ambry Variant Classification Scheme 2023. Collection method: clinical testing. Allele origin: germline.
Comment: The p.L744V variant (also known as c.2230C>G), located in coding exon 10 of the WNK2 gene, results from a C to G substitution at nucleotide position 2230. The leucine at codon 744 is replaced by valine, an amino acid with highly similar properties. This amino acid position is conserved. In addition, this alteration is predicted to be tolerated by in silico analysis. Based on the available evidence, the clinical significance of this variant remains unclear.

NM_006648.4(WNK2):c.2230C>G (p.Leu744Val)

Gene: WNK2 (WNK lysine deficient protein kinase 2; plus strand). Cytogenetic location: 9q22.31.
Variant type: single nucleotide variant.
Coding change: c.2230C>G on transcript NM_006648.4 (MANE Select); coding-DNA position 2230, C replaced by G.
Protein change: p.Leu744Val; replaces leucine 744 with valine.
Molecular consequence: missense variant.
Genome position (GRCh38, 1-based): chr9:93,256,987, C>G. VCF-style: chr9-93256987-C-G. GRCh37 (hg19) VCF-style: chr9-96019269-C-G.
Other names: c.2230C>G, p.Leu744Val (NM_001282394.3); short protein forms L744V.
Identifiers: ClinVar variation 4866742 (VCV004866742.1).